The following is an entry in ClinVar:

NM_014264.5(PLK4):c.124A>G (p.Met42Val)

Gene: PLK4 (polo like kinase 4; plus strand). Cytogenetic location: 4q28.1.
Variant type: single nucleotide variant.
Coding change: c.124A>G on transcript NM_014264.5 (MANE Select); coding-DNA position 124, A replaced by G.
Protein change: p.Met42Val; replaces methionine 42 with valine.
Molecular consequence: missense variant. On other transcripts: initiator codon variant (1).
Genome position (GRCh38, 1-based): chr4:127,881,924, A>G. VCF-style: chr4-127881924-A-G. GRCh37 (hg19) VCF-style: chr4-128803079-A-G.
Other names: c.124A>G, p.Met42Val (NM_001190799.2); c.1A>G, p.Met1Val (NM_001190801.2); c.124A>G (NM_014264.4); short protein forms M42V, M1V.
Identifiers: ClinVar variation 1446121 (VCV001446121.5), dbSNP rs1486935848, ClinGen allele CA358167228.

ClinVar aggregate classification (germline): Uncertain significance. Review status: criteria provided, multiple submitters, no conflicts (2 of 4 stars). 2 submissions from 2 submitters: Uncertain significance (2). Last evaluated 2023-08-04.

Conditions:
Inborn genetic diseases. Identifiers: MedGen C0950123, MeSH D030342.

Allele frequency attached by ClinVar (database versions not stated): gnomAD 0.00001; gnomAD exomes 0.00001 and 0.00004.
gnomAD v4.1: 57 of 1,542,106 alleles (0.0037%); highest among the groups gnomAD compares: Middle Eastern, 0.017%; no homozygotes.

Submissions (2):

Ambry Genetics
Classification: Uncertain significance for Inborn genetic diseases. Last evaluated: 2023-08-04. Review status: criteria provided, single submitter. Criteria: Ambry Variant Classification Scheme 2023. Collection method: clinical testing. Allele origin: germline.

Labcorp Genetics (formerly Invitae), Labcorp
Classification: Uncertain significance. Last evaluated: 2021-09-09. Review status: criteria provided, single submitter. Criteria: Invitae Variant Classification Sherloc (09022015). Collection method: clinical testing. Allele origin: germline.
Comment: This sequence change replaces methionine with valine at codon 42 of the PLK4 protein (p.Met42Val). The methionine residue is highly conserved and there is a small physicochemical difference between methionine and valine. This variant is not present in population databases (ExAC no frequency). This variant has not been reported in the literature in individuals affected with PLK4-related conditions. Algorithms developed to predict the effect of missense changes on protein structure and function are either unavailable or do not agree on the potential impact of this missense change (SIFT: "Tolerated"; PolyPhen-2: "Probably Damaging"; Align-GVGD: "Class C0"). In summary, the available evidence is currently insufficient to determine the role of this variant in disease. Therefore, it has been classified as a Variant of Uncertain Significance.